The following is an entry in ClinVar:

NM_001130009.3(GEN1):c.707A>G (p.Gln236Arg)

Gene: GEN1 (GEN1 structure-specific endonuclease; plus strand). Cytogenetic location: 2p24.2.
Variant type: single nucleotide variant.
Coding change: c.707A>G on transcript NM_001130009.3 (MANE Select); coding-DNA position 707, A replaced by G.
Protein change: p.Gln236Arg; replaces glutamine 236 with arginine.
Molecular consequence: missense variant.
Genome position (GRCh38, 1-based): chr2:17,768,808, A>G. VCF-style: chr2-17768808-A-G. GRCh37 (hg19) VCF-style: chr2-17950075-A-G.
Other names: c.707A>G, p.Gln236Arg (NM_182625.5); short protein forms Q236R.
Identifiers: ClinVar variation 5022323 (VCV005022323.1).
Genomic context (GRCh38, chr2:17,768,808, plus strand): 5'-GAGTTGGAAAAGAGCAAGCATTAAAACTTATACAGATTTTGAAAGGGCAAAGTTTACTTC[A>G]GAGGTAACTAATAATTACTTTCTCTTGTGACATTGAACCTTTATTCTTGCTGAACTTAAT-3'
Protein context (NP_001123481.3, residues 226-246): IQILKGQSLL[Gln236Arg]RFNRWNETSC

ClinVar aggregate classification (germline): Uncertain significance (1 of 4 stars; one submission).

gnomAD v4.1: 4 of 1,577,584 alleles (0.00025%); highest among the groups gnomAD compares: Non-Finnish European, 0.00035%; no homozygotes.

Submission:

Ambry Genetics
Classification: Uncertain significance. Last evaluated: 2026-08-09. Review status: criteria provided, single submitter. Criteria: Ambry Variant Classification Scheme 2023. Collection method: clinical testing. Allele origin: germline.
Comment: The p.Q236R variant (also known as c.707A>G), located in coding exon 5 of the GEN1 gene, results from an A to G substitution at nucleotide position 707. The glutamine at codon 236 is replaced by arginine, an amino acid with highly similar properties. This amino acid position is conserved. In addition, this alteration is predicted to be tolerated by in silico analysis. Based on the available evidence, the clinical significance of this variant remains unclear.